The following is an entry in ClinVar:

NM_005560.6(LAMA5):c.793C>T (p.Arg265Cys)

Gene: LAMA5 (laminin subunit alpha 5; minus strand). Cytogenetic location: 20q13.33.
Variant type: single nucleotide variant.
Coding change: c.793C>T on transcript NM_005560.6 (MANE Select); coding-DNA position 793, C replaced by T.
Protein change: p.Arg265Cys; replaces arginine 265 with cysteine.
Molecular consequence: missense variant.
Genome position (GRCh38, 1-based): chr20:62,351,974, G>A on the plus strand (C>T on the coding strand, the complement: LAMA5 is on the minus strand). VCF-style: chr20-62351974-G-A. GRCh37 (hg19) VCF-style: chr20-60927030-G-A.
Other names: short protein forms R265C.
Identifiers: ClinVar variation 4977043 (VCV004977043.1).
Genomic context (GRCh38, chr20:62,351,974, plus strand): 5'-GGGTGACCGTGGGGTCCCGCAGCGCCTTCCCCATGAGATGGCCCAGCAGCGTGTTGGTAC[G>A]CAGGAAGCGCAGGCGGACGTTGGTGGCCTTGGTGAACTCACGTAGCAGCGGCGAGTAGGA-3'
Protein context (NP_005551.3, residues 255-275): KATNVRLRFL[Arg265Cys]TNTLLGHLMG

ClinVar aggregate classification (germline): Uncertain significance (1 of 4 stars; one submission).

Conditions:
LAMA5-related disorder. Also called: LAMA5-related condition; LAMA5-Related Disorders.

gnomAD v4.1: 25 of 1,612,422 alleles (0.0016%); highest among the groups gnomAD compares: African/African-American, 0.0027%; no homozygotes.

Submission:

PreventionGenetics, part of Exact Sciences
Classification: Uncertain significance for LAMA5-related condition. Last evaluated: 2026-06-12. Review status: criteria provided, single submitter. Criteria: ACMG Guidelines, 2015. Collection method: clinical testing. Allele origin: germline.
Comment: The LAMA5 c.793C>T variant is predicted to result in the amino acid substitution p.Arg265Cys. To our knowledge, this variant has not been reported in the literature. This variant is reported in 0.0055% of alleles in individuals of East Asian descent in gnomAD. At this time, the clinical significance of this variant is uncertain due to the absence of conclusive functional and genetic evidence.